The following is an entry in ClinVar:

ClinVar aggregate classification (germline): Uncertain significance (1 of 4 stars; one submission).

Conditions:
Aural atresia, congenital (CAA). Also called: AURAL ATRESIA, CONGENITAL, WITH HYPOSMIA. Identifiers: MedGen C1842937, MONDO:0011921, OMIM 607842.

Submission:

Centre for Mendelian Genomics, University Medical Centre Ljubljana
Classification: Uncertain significance for Aural atresia, congenital. Last evaluated: 2019-01-03. Review status: criteria provided, single submitter. Criteria: ACMG Guidelines, 2015. Collection method: clinical testing. Allele origin: unknown. Affected: yes.
Comment: This variant was classified as: Uncertain significance. The following ACMG criteria were applied in classifying this variant: PM2,PP4.

NM_001308210.2(TSHZ1):c.2127C>G (p.Asp709Glu)

Gene: TSHZ1 (teashirt zinc finger homeobox 1; plus strand). Cytogenetic location: 18q22.3.
Variant type: single nucleotide variant.
Coding change: c.2127C>G on transcript NM_001308210.2 (MANE Select); coding-DNA position 2127, C replaced by G.
Protein change: p.Asp709Glu; replaces aspartic acid 709 with glutamic acid.
Molecular consequence: missense variant.
Genome position (GRCh38, 1-based): chr18:75,287,534, C>G. VCF-style: chr18-75287534-C-G. GRCh37 (hg19) VCF-style: chr18-72999489-C-G.
Other names: c.1992C>G, p.Asp664Glu (NM_005786.6); short protein forms D664E, D709E.
Identifiers: ClinVar variation 930291 (VCV000930291.3), dbSNP rs549076959, ClinGen allele CA402785131.
Genomic context (GRCh38, chr18:75,287,534, plus strand): 5'-ACCACAGAAGAAGGGCCCTGAGGCCGAGACTGGGAAGGCCAAAAAGGAGGGACCGCTGGA[C>G]GTTCACACCCCAAATGGCACAGAGCCTCTCAAAGCAAAGGTCACCAACGGCTGTAACAAC-3'
Protein context (NP_001295139.1, residues 699-719): TGKAKKEGPL[Asp709Glu]VHTPNGTEPL